The following is an entry in ClinVar:

NM_002907.4(RECQL):c.358A>G (p.Ser120Gly)

Gene: RECQL (RecQ like helicase; minus strand). Cytogenetic location: 12p12.1.
Variant type: single nucleotide variant.
Coding change: c.358A>G on transcript NM_002907.4 (MANE Select); coding-DNA position 358, A replaced by G.
Protein change: p.Ser120Gly; replaces serine 120 with glycine.
Molecular consequence: missense variant.
Genome position (GRCh38, 1-based): chr12:21,490,235, T>C on the plus strand (A>G on the coding strand, the complement: RECQL is on the minus strand). VCF-style: chr12-21490235-T-C. GRCh37 (hg19) VCF-style: chr12-21643169-T-C.
Other names: c.358A>G, p.Ser120Gly (NM_032941.3); short protein forms S120G.
Identifiers: ClinVar variation 1732970 (VCV001732970.4), dbSNP rs1361768293, ClinGen allele CA384132379.

ClinVar aggregate classification (germline): Uncertain significance (1 of 4 stars; one submission).

Allele frequency attached by ClinVar (database versions not stated): gnomAD 0.00001; TOPMed 0.00001.

Submission:

Ambry Genetics
Classification: Uncertain significance. Last evaluated: 2025-06-21. Review status: criteria provided, single submitter. Criteria: Ambry Variant Classification Scheme 2023. Collection method: clinical testing. Allele origin: germline.
Comment: The p.S120G variant (also known as c.358A>G), located in coding exon 3 of the RECQL gene, results from an A to G substitution at nucleotide position 358. The serine at codon 120 is replaced by glycine, an amino acid with similar properties. This amino acid position is highly conserved in available vertebrate species. In addition, this alteration is predicted to be deleterious by in silico analysis. Since supporting evidence is limited at this time, the clinical significance of this alteration remains unclear.